The following is an entry in ClinVar:

ClinVar aggregate classification (germline): Uncertain significance (1 of 4 stars; one submission).

Conditions:
Multiple congenital anomalies-hypotonia-seizures syndrome 1 (MCAHS1). Also called: PIGN-CDG; Congenital disorder of glycosylation due to PIGN deficiency; GLYCOSYLPHOSPHATIDYLINOSITOL BIOSYNTHESIS DEFECT 3. Identifiers: Orphanet 280633, MedGen C3279775, MONDO:0013563, OMIM 614080.

gnomAD v4.1: 9 of 1,600,956 alleles (0.00056%); highest among the groups gnomAD compares: South Asian, 0.0034%; no homozygotes.

Submission:

Labcorp Genetics (formerly Invitae), Labcorp
Classification: Uncertain significance for Multiple congenital anomalies-hypotonia-seizures syndrome 1. Last evaluated: 2018-05-17. Review status: criteria provided, single submitter. Criteria: Invitae Variant Classification Sherloc (09022015). Collection method: clinical testing. Allele origin: germline.
Comment: In summary, the available evidence is currently insufficient to determine the role of this variant in disease. Therefore, it has been classified as a Variant of Uncertain Significance. Nucleotide substitutions within the consensus splice site are a relatively common cause of aberrant splicing (PMID: 17576681, 9536098). Algorithms developed to predict the effect of sequence changes on RNA splicing suggest that this variant may disrupt the consensus splice site, but this prediction has not been confirmed by published transcriptional studies. This variant has not been reported in the literature in individuals with PIGN-related disease. This variant is not present in population databases (ExAC no frequency). This sequence change affects codon 478 of the PIGN mRNA. It is a 'silent' change, meaning that it does not change the encoded amino acid sequence of the PIGN protein. This variant also falls at the last nucleotide of exon 16 of the PIGN coding sequence, which is part of the consensus splice site for this exon.

Literature cited by the submitters: PubMed 17576681; PubMed 9536098.

NM_176787.5(PIGN):c.1434G>A (p.Lys478=)

Gene: PIGN (phosphatidylinositol glycan anchor biosynthesis class N; minus strand). Cytogenetic location: 18q21.33.
Variant type: single nucleotide variant.
Coding change: c.1434G>A on transcript NM_176787.5 (MANE Select); coding-DNA position 1434, G replaced by A.
Protein change: p.Lys478=; no amino-acid change (lysine 478 retained).
Molecular consequence: synonymous variant.
Genome position (GRCh38, 1-based): chr18:62,113,134, C>T on the plus strand (G>A on the coding strand, the complement: PIGN is on the minus strand). VCF-style: chr18-62113134-C-T. GRCh37 (hg19) VCF-style: chr18-59780367-C-T.
Other names: c.1434G>A, p.Lys478= (NM_012327.6).
Identifiers: ClinVar variation 571963 (VCV000571963.6), dbSNP rs1336408586, ClinGen allele CA504067863.